The following is an entry in ClinVar:

ClinVar aggregate classification (germline): Uncertain significance (1 of 4 stars; one submission).

Conditions:
Inborn genetic diseases. Identifiers: MedGen C0950123, MeSH D030342.

Submission:

Ambry Genetics
Classification: Uncertain significance for Inborn genetic diseases. Last evaluated: 2025-10-28. Review status: criteria provided, single submitter. Criteria: Ambry Variant Classification Scheme 2023. Collection method: clinical testing. Allele origin: germline.
Comment: The p.Q383H variant (also known as c.1149G>T), located in coding exon 9 of the BUB1B gene, results from a G to T substitution at nucleotide position 1149. The glutamine at codon 383 is replaced by histidine, an amino acid with highly similar properties. This amino acid position is conserved. In addition, this alteration is predicted to be tolerated by in silico analysis. Based on the available evidence, the clinical significance of this variant remains unclear.

NM_001211.6(BUB1B):c.1149G>T (p.Gln383His)

Gene: BUB1B (BUB1 mitotic checkpoint serine/threonine kinase B; plus strand). Cytogenetic location: 15q15.1.
Variant type: single nucleotide variant.
Coding change: c.1149G>T on transcript NM_001211.6 (MANE Select); coding-DNA position 1149, G replaced by T.
Protein change: p.Gln383His; replaces glutamine 383 with histidine.
Molecular consequence: missense variant.
Genome position (GRCh38, 1-based): chr15:40,196,635, G>T. VCF-style: chr15-40196635-G-T. GRCh37 (hg19) VCF-style: chr15-40488836-G-T.
Other names: short protein forms Q383H.
Identifiers: ClinVar variation 4600137 (VCV004600137.1).